The following is an entry in ClinVar:

NM_152703.5(SAMD9L):c.4383A>C (p.Gly1461=)

Gene: SAMD9L (sterile alpha motif domain containing 9 like; minus strand). Cytogenetic location: 7q21.2.
Variant type: single nucleotide variant.
Coding change: c.4383A>C on transcript NM_152703.5 (MANE Select); coding-DNA position 4383, A replaced by C.
Protein change: p.Gly1461=; no amino-acid change (glycine 1461 retained).
Molecular consequence: synonymous variant.
Genome position (GRCh38, 1-based): chr7:93,131,589, T>G on the plus strand (A>C on the coding strand, the complement: SAMD9L is on the minus strand). VCF-style: chr7-93131589-T-G. GRCh37 (hg19) VCF-style: chr7-92760902-T-G.
Other names: c.4383A>C (NM_152703.2, NM_152703.3); c.4383A>C, p.Gly1461= (NM_001303496.3, NM_001303497.3, NM_001303498.3 and 5 more transcripts).
Identifiers: ClinVar variation 1337126 (VCV001337126.15), dbSNP rs139201196, ClinGen allele CA4343313.

ClinVar aggregate classification (germline): Benign/Likely benign. Review status: criteria provided, multiple submitters, no conflicts (2 of 4 stars). 5 submissions from 5 submitters: Benign (1); Likely benign (3). 1 of the submissions does not count toward it. Last evaluated 2025-12-29.

Conditions:
Inborn genetic diseases. Identifiers: MedGen C0950123, MeSH D030342.
SAMD9L-related disorder. Also called: SAMD9L-related disorders; SAMD9L-related condition.

Allele frequency attached by ClinVar (database versions not stated): gnomAD exomes 0.00003 and 0.00006; ExAC 0.00008; 1000 Genomes Project 0.00020; 1000 Genomes Project 30x 0.00031; ESP Exome Variant Server 0.00031; gnomAD 0.00045 and 0.00050; TOPMed 0.00053.
gnomAD v4.1: 110 of 1,613,918 alleles (0.0068%); highest among the groups gnomAD compares: African/African-American, 0.13%; 1 homozygote.

Submissions (5):

Labcorp Genetics (formerly Invitae), Labcorp
Classification: Benign. Last evaluated: 2025-12-29. Review status: criteria provided, single submitter. Criteria: Invitae Variant Classification Sherloc (09022015). Collection method: clinical testing. Allele origin: germline.

Ambry Genetics
Classification: Likely benign for Inborn genetic diseases. Last evaluated: 2024-10-15. Review status: criteria provided, single submitter. Criteria: Ambry Variant Classification Scheme 2023. Collection method: clinical testing. Allele origin: germline.

Blueprint Genetics
Classification: Likely benign. Last evaluated: 2024-10-07. Review status: criteria provided, single submitter. Criteria: ACMG Guidelines, 2015. Collection method: clinical testing. Allele origin: germline.

Genetic Services Laboratory, University of Chicago
Classification: Likely benign. Last evaluated: 2020-08-27. Review status: criteria provided, single submitter. Criteria: ACMG Guidelines, 2015. Collection method: clinical testing. Allele origin: germline. Affected: no.

PreventionGenetics, part of Exact Sciences
Classification: Likely benign for SAMD9L-related condition. Last evaluated: 2021-11-17. Review status: no assertion criteria provided. Collection method: clinical testing. Allele origin: germline. Not counted in ClinVar's aggregate classification.
Comment: This variant is classified as likely benign based on ACMG/AMP sequence variant interpretation guidelines (Richards et al. 2015 PMID: 25741868, with internal and published modifications).